The following is an entry in ClinVar:

ClinVar aggregate classification (germline): Uncertain significance (1 of 4 stars; one submission).

Conditions:
Atrial septal defect 5 (ASD5). Identifiers: Orphanet 1478, MedGen C2748552, MONDO:0013011, OMIM 612794.
Dilated cardiomyopathy 1R (CMD1R). Identifiers: Orphanet 154, Orphanet 54260, MedGen C3150681, MONDO:0013261, OMIM 613424.
Hypertrophic cardiomyopathy 11. Also called: ACTC1-Related Familial Hypertrophic Cardiomyopathy. Identifiers: MedGen C2677506, MONDO:0012799, OMIM 612098.

Submission:

Labcorp Genetics (formerly Invitae), Labcorp
Classification: Uncertain significance for Dilated cardiomyopathy 1R; Hypertrophic cardiomyopathy 11; Atrial septal defect 5. Last evaluated: 2024-04-24. Review status: criteria provided, single submitter. Criteria: Invitae Variant Classification Sherloc (09022015). Collection method: clinical testing. Allele origin: germline.
Comment: This sequence change replaces arginine, which is basic and polar, with proline, which is neutral and non-polar, at codon 256 of the ACTC1 protein (p.Arg256Pro). This variant is not present in population databases (gnomAD no frequency). This variant has not been reported in the literature in individuals affected with ACTC1-related conditions. Advanced modeling of protein sequence and biophysical properties (such as structural, functional, and spatial information, amino acid conservation, physicochemical variation, residue mobility, and thermodynamic stability) has been performed at Invitae for this missense variant, however the output from this modeling did not meet the statistical confidence thresholds required to predict the impact of this variant on ACTC1 protein function. In summary, the available evidence is currently insufficient to determine the role of this variant in disease. Therefore, it has been classified as a Variant of Uncertain Significance.

NM_005159.5(ACTC1):c.767G>C (p.Arg256Pro)

Genes: ACTC1 (actin alpha cardiac muscle 1; minus strand), GJD2-DT (GJD2 divergent transcript; plus strand). Cytogenetic location: 15q14.
Variant type: single nucleotide variant.
Coding change: c.767G>C on transcript NM_005159.5 (MANE Select); coding-DNA position 767, G replaced by C.
Protein change: p.Arg256Pro; replaces arginine 256 with proline.
Molecular consequence: missense variant.
Genome position (GRCh38, 1-based): chr15:34,792,131, C>G on the plus strand (G>C on the coding strand, the complement: ACTC1 is on the minus strand). VCF-style: chr15-34792131-C-G. GRCh37 (hg19) VCF-style: chr15-35084332-C-G.
Other names: c.767G>C, p.Arg256Pro (NM_001406483.1, NM_001406482.1); c.632G>C, p.Arg211Pro (NM_001406484.1); c.326G>C, p.Arg109Pro (NM_001406485.1); short protein forms R109P, R211P, R256P.
Identifiers: ClinVar variation 3755985 (VCV003755985.2).